The following is an entry in ClinVar:

ClinVar aggregate classification (germline): Uncertain significance (1 of 4 stars; one submission).

Submission:

GeneDx
Classification: Uncertain significance. Last evaluated: 2023-02-08. Review status: criteria provided, single submitter. Criteria: GeneDx Variant Classification Process June 2021. Collection method: clinical testing. Allele origin: germline. Affected: yes.
Comment: Not observed at significant frequency in large population cohorts (gnomAD); In silico analysis supports that this missense variant does not alter protein structure/function; Has not been previously published as pathogenic or benign to our knowledge

NM_006073.4(TRDN):c.545A>G (p.Lys182Arg)

Gene: TRDN (triadin; minus strand). Cytogenetic location: 6q22.31.
Variant type: single nucleotide variant.
Coding change: c.545A>G on transcript NM_006073.4 (MANE Select); coding-DNA position 545, A replaced by G.
Protein change: p.Lys182Arg; replaces lysine 182 with arginine.
Molecular consequence: missense variant.
Genome position (GRCh38, 1-based): chr6:123,516,146, T>C on the plus strand (A>G on the coding strand, the complement: TRDN is on the minus strand). VCF-style: chr6-123516146-T-C. GRCh37 (hg19) VCF-style: chr6-123837291-T-C.
Other names: c.545A>G, p.Lys182Arg (NM_001251987.2, NM_001256020.2, NM_001256021.2 and 1 more transcripts); short protein forms K182R.
Identifiers: ClinVar variation 2575793 (VCV002575793.1), dbSNP rs2534346861, ClinGen allele CA365568176.